The following is an entry in ClinVar:

ClinVar aggregate classification (germline): Likely benign (1 of 4 stars; one submission).

Conditions:
Melanoma, cutaneous malignant, susceptibility to, 3. Also called: Cutaneous malignant melanoma 3. Identifiers: Orphanet 618, MedGen C1836892, MONDO:0012183, OMIM 609048.

Submission:

Myriad Genetics, Inc.
Classification: Likely benign for Melanoma, cutaneous malignant, susceptibility to, 3. Last evaluated: 2024-09-24. Review status: criteria provided, single submitter. Criteria: Myriad Autosomal Dominant, Autosomal Recessive and X-Linked Classification Criteria (2023). Collection method: clinical testing. Allele origin: unknown.
Comment: This variant is considered likely benign. This variant is intronic and is not expected to impact mRNA splicing.

NM_000075.4(CDK4):c.219-20T>C

Gene: CDK4 (cyclin dependent kinase 4; minus strand). Cytogenetic location: 12q14.1.
Variant type: single nucleotide variant.
Coding change: c.219-20T>C on transcript NM_000075.4 (MANE Select); 20 bases into the intron before coding-DNA position 219, T replaced by C.
Molecular consequence: intron variant.
Genome position (GRCh38, 1-based): chr12:57,751,362, A>G on the plus strand (T>C on the coding strand, the complement: CDK4 is on the minus strand). VCF-style: chr12-57751362-A-G. GRCh37 (hg19) VCF-style: chr12-58145145-A-G.
Identifiers: ClinVar variation 3378551 (VCV003378551.1).
Genomic context (GRCh38, chr12:57,751,362, plus strand): 5'-TCTCCCGGTCAGTTCGGGATGTGGCACAGACGTCCATCAGCCTGACCAGAGTAAATGCTC[A>G]CTTTTCAATCCCCTTTAACCCAACATGGCCTCTCATTATTTCCTCAGGGTCCCCACTTCT-3'